The following is an entry in ClinVar:

ClinVar aggregate classification (germline): Uncertain significance (1 of 4 stars; one submission).

Submission:

Labcorp Genetics (formerly Invitae), Labcorp
Classification: Uncertain significance. Last evaluated: 2025-08-11. Review status: criteria provided, single submitter. Criteria: Invitae Variant Classification Sherloc (09022015). Collection method: clinical testing. Allele origin: germline.
Comment: This sequence change creates a premature translational stop signal (p.Asp266Glyfs*16) in the DYNC1I1 gene. It is expected to result in an absent or disrupted protein product. However, the current clinical and genetic evidence is not sufficient to establish whether loss-of-function variants in DYNC1I1 cause disease. This variant is not present in population databases (gnomAD no frequency). This variant has not been reported in the literature in individuals affected with DYNC1I1-related conditions. ClinVar contains an entry for this variant (Variation ID: 2857879). Algorithms developed to predict the effect of sequence changes on RNA splicing suggest that this variant may disrupt the consensus splice site. In summary, the available evidence is currently insufficient to determine the role of this variant in disease. Therefore, it has been classified as a Variant of Uncertain Significance.

NC_000007.14:g.95987057dup

Gene: DYNC1I1 (dynein cytoplasmic 1 intermediate chain 1; plus strand). Cytogenetic location: 7q21.3.
Variant type: Duplication.
Genome position: GRCh38 VCF-style: chr7-95987054-A-AG. GRCh37 (hg19) VCF-style: chr7-95616366-A-AG.
Identifiers: ClinVar variation 2857879 (VCV002857879.3), dbSNP rs2485123635, ClinGen allele CA2739279502.